The following is an entry in ClinVar:

ClinVar aggregate classification (germline): Uncertain significance. Review status: criteria provided, multiple submitters, no conflicts (2 of 4 stars). 2 submissions from 2 submitters: Uncertain significance (2). Last evaluated 2024-07-16.

Conditions:
Familial adenomatous polyposis 1 (FAP1). Also called: POLYPOSIS, ADENOMATOUS INTESTINAL; FAMILIAL ADENOMATOUS POLYPOSIS 1, ATTENUATED. Identifiers: MedGen C2713442, MONDO:0021056, OMIM 175100. Disease mechanism: loss of function.

Submissions (2):

Women's Health and Genetics/Laboratory Corporation of America, LabCorp
Classification: Uncertain significance. Last evaluated: 2024-07-16. Review status: criteria provided, single submitter. Criteria: LabCorp Variant Classification Summary - May 2015. Collection method: clinical testing. Allele origin: germline.

Labcorp Genetics (formerly Invitae), Labcorp
Classification: Uncertain significance for Familial adenomatous polyposis 1. Last evaluated: 2024-04-25. Review status: criteria provided, single submitter. Criteria: Invitae Variant Classification Sherloc (09022015). Collection method: clinical testing. Allele origin: germline.
Comment: This sequence change replaces glycine, which is neutral and non-polar, with alanine, which is neutral and non-polar, at codon 2407 of the APC protein (p.Gly2407Ala). This variant is not present in population databases (gnomAD no frequency). This variant has not been reported in the literature in individuals affected with APC-related conditions. ClinVar contains an entry for this variant (Variation ID: 966173). Advanced modeling of protein sequence and biophysical properties (such as structural, functional, and spatial information, amino acid conservation, physicochemical variation, residue mobility, and thermodynamic stability) performed at Invitae indicates that this missense variant is not expected to disrupt APC protein function with a negative predictive value of 95%. In summary, the available evidence is currently insufficient to determine the role of this variant in disease. Therefore, it has been classified as a Variant of Uncertain Significance.

NM_000038.6(APC):c.7220G>C (p.Gly2407Ala)

Gene: APC (APC regulator of Wnt signaling pathway; plus strand). Cytogenetic location: 5q22.2.
Variant type: single nucleotide variant.
Coding change: c.7220G>C on transcript NM_000038.6 (MANE Select); coding-DNA position 7220, G replaced by C.
Protein change: p.Gly2407Ala; replaces glycine 2407 with alanine.
Molecular consequence: missense variant.
Genome position (GRCh38, 1-based): chr5:112,842,814, G>C. VCF-style: chr5-112842814-G-C. GRCh37 (hg19) VCF-style: chr5-112178511-G-C.
Other names: c.7220G>C, p.Gly2407Ala (NM_001127510.3, NM_001354895.2); c.7166G>C, p.Gly2389Ala (NM_001127511.3); c.7274G>C, p.Gly2425Ala (NM_001354896.2); c.7250G>C, p.Gly2417Ala (NM_001354897.2); c.7145G>C, p.Gly2382Ala (NM_001354898.2); c.7136G>C, p.Gly2379Ala (NM_001354899.2); c.7097G>C, p.Gly2366Ala (NM_001354900.2); c.7043G>C, p.Gly2348Ala (NM_001354901.2); and 5 more; short protein forms G2306A, G2366A, G2417A, G2247A, G2379A, G2124A, G2382A, G2389A.
Identifiers: ClinVar variation 966173 (VCV000966173.12), dbSNP rs1312870922, ClinGen allele CA16037058.
Genomic context (GRCh38, chr5:112,842,814, plus strand): 5'-ATGCCAGTAGTATTCCAAGAAGTGAGTCTGCCTCCAAAGGACTAAATCAGATGAATAATG[G>C]TAATGGAGCCAATAAAAAGGTAGAACTTTCTAGAATGTCTTCAACTAAATCAAGTGGAAG-3'
Protein context (NP_000029.2, residues 2397-2417): ASKGLNQMNN[Gly2407Ala]NGANKKVELS